The following is an entry in ClinVar:

NM_000059.4(BRCA2):c.2699A>C (p.Asn900Thr)

Gene: BRCA2 (BRCA2 DNA repair associated; plus strand). Cytogenetic location: 13q13.1.
Variant type: single nucleotide variant.
Coding change: c.2699A>C on transcript NM_000059.4 (MANE Select); coding-DNA position 2699, A replaced by C.
Protein change: p.Asn900Thr; replaces asparagine 900 with threonine.
Molecular consequence: missense variant. On other transcripts: non-coding transcript variant (1), intron variant (2).
Genome position (GRCh38, 1-based): chr13:32,337,054, A>C. VCF-style: chr13-32337054-A-C. GRCh37 (hg19) VCF-style: chr13-32911191-A-C.
Other names: c.2699A>C, p.Asn900Thr (NM_001406719.1, NM_001406720.1); c.1909+3667A>C (NM_001406721.1); c.424+6024A>C (NM_001406722.1); short protein forms N900T.
Identifiers: ClinVar variation 2817490 (VCV002817490.4), dbSNP rs2072463134, ClinGen allele CA387773489.

ClinVar aggregate classification (germline): Uncertain significance. Review status: criteria provided, multiple submitters, no conflicts (2 of 4 stars). 2 submissions from 2 submitters: Uncertain significance (2). Last evaluated 2026-06-15.

Conditions:
Hereditary cancer-predisposing syndrome. Also called: Hereditary Cancer Syndrome; Hereditary neoplastic syndrome; Neoplastic Syndromes, Hereditary; Tumor predisposition. Identifiers: Orphanet 140162, MedGen C0027672, MeSH D009386, MONDO:0015356.
Hereditary breast ovarian cancer syndrome. Also called: Hereditary breast and ovarian cancer syndrome; Hereditary breast and ovarian cancer syndrome (HBOC); Breast and ovarian cancer; Hereditary breast and/or ovarian cancer syndrome; Hereditary breast and ovarian cancer; BRCA1- and BRCA2-Associated Hereditary Breast and Ovarian Cancer. Identifiers: Orphanet 145, MedGen C0677776, MeSH D061325, MONDO:0003582. Disease mechanism: loss of function.

Submissions (2):

Ambry Genetics
Classification: Uncertain significance for Hereditary cancer-predisposing syndrome. Last evaluated: 2026-06-15. Review status: criteria provided, single submitter. Criteria: Ambry Variant Classification Scheme 2023. Collection method: clinical testing. Allele origin: germline.
Comment: The p.N900T variant (also known as c.2699A>C), located in coding exon 10 of the BRCA2 gene, results from an A to C substitution at nucleotide position 2699. The asparagine at codon 900 is replaced by threonine, an amino acid with similar properties. This amino acid position is conserved. In addition, this alteration is predicted to be tolerated by in silico analysis. Based on the available evidence, the clinical significance of this variant remains unclear.

Labcorp Genetics (formerly Invitae), Labcorp
Classification: Uncertain significance for Hereditary breast ovarian cancer syndrome. Last evaluated: 2022-11-29. Review status: criteria provided, single submitter. Criteria: Invitae Variant Classification Sherloc (09022015). Collection method: clinical testing. Allele origin: germline.
Comment: In summary, the available evidence is currently insufficient to determine the role of this variant in disease. Therefore, it has been classified as a Variant of Uncertain Significance. Advanced modeling of protein sequence and biophysical properties (such as structural, functional, and spatial information, amino acid conservation, physicochemical variation, residue mobility, and thermodynamic stability) performed at Invitae indicates that this missense variant is not expected to disrupt BRCA2 protein function. This variant has not been reported in the literature in individuals affected with BRCA2-related conditions. This variant is not present in population databases (gnomAD no frequency). This sequence change replaces asparagine, which is neutral and polar, with threonine, which is neutral and polar, at codon 900 of the BRCA2 protein (p.Asn900Thr).